The following is an entry in ClinVar:

ClinVar aggregate classification (germline): Uncertain significance. Review status: criteria provided, multiple submitters, no conflicts (2 of 4 stars). 2 submissions from 2 submitters: Uncertain significance (2). Last evaluated 2025-10-25.

Conditions:
Catecholaminergic polymorphic ventricular tachycardia (CVPT). Also called: Catecholamine-induced polymorphic ventricular tachycardia. Identifiers: Orphanet 3286, MedGen C5574922, MONDO:0017990.
Catecholaminergic polymorphic ventricular tachycardia 1. Also called: RYR2-Related Catecholaminergic Polymorphic Ventricular Tachycardia; VENTRICULAR TACHYCARDIA, STRESS-INDUCED POLYMORPHIC 1; VENTRICULAR TACHYCARDIA, CATECHOLAMINERGIC POLYMORPHIC, 1, WITH OR WITHOUT ATRIAL DYSFUNCTION AND/OR DILATED CARDIOMYOPATHY. Identifiers: Orphanet 3286, MedGen C1631597, MONDO:0011484, OMIM 604772.

Submissions (2):

Labcorp Genetics (formerly Invitae), Labcorp
Classification: Uncertain significance for Catecholaminergic polymorphic ventricular tachycardia 1. Last evaluated: 2025-10-25. Review status: criteria provided, single submitter. Criteria: Invitae Variant Classification Sherloc (09022015). Collection method: clinical testing. Allele origin: germline.
Comment: This sequence change replaces leucine, which is neutral and non-polar, with phenylalanine, which is neutral and non-polar, at codon 1604 of the RYR2 protein (p.Leu1604Phe). This variant is not present in population databases (gnomAD no frequency). This variant has not been reported in the literature in individuals affected with RYR2-related conditions. ClinVar contains an entry for this variant (Variation ID: 3070019). Invitae Evidence Modeling of protein sequence and biophysical properties (such as structural, functional, and spatial information, amino acid conservation, physicochemical variation, residue mobility, and thermodynamic stability) indicates that this missense variant is expected to disrupt RYR2 protein function with a positive predictive value of 95%. In summary, the available evidence is currently insufficient to determine the role of this variant in disease. Therefore, it has been classified as a Variant of Uncertain Significance.

All of Us Research Program, National Institutes of Health
Classification: Uncertain significance for Catecholaminergic polymorphic ventricular tachycardia. Last evaluated: 2023-03-28. Review status: criteria provided, single submitter. Criteria: ACMG Guidelines, 2015. Collection method: clinical testing. Allele origin: germline. Inheritance: Autosomal dominant inheritance. Observed: 1 variant allele, 1 heterozygote.
Comment: This study involves interpretation of variants in research participants for the purpose of population health screening. Participant phenotype was not available at the time of variant classification. Additional details can be found in publication PMID: 35346344, PMCID: PMC8962531

NM_001035.3(RYR2):c.4812G>C (p.Leu1604Phe)

Gene: RYR2 (ryanodine receptor 2; plus strand). Cytogenetic location: 1q43.
Variant type: single nucleotide variant.
Coding change: c.4812G>C on transcript NM_001035.3 (MANE Select); coding-DNA position 4812, G replaced by C.
Protein change: p.Leu1604Phe; replaces leucine 1604 with phenylalanine.
Molecular consequence: missense variant.
Genome position (GRCh38, 1-based): chr1:237,610,890, G>C. VCF-style: chr1-237610890-G-C. GRCh37 (hg19) VCF-style: chr1-237774190-G-C.
Other names: short protein forms L1604F.
Identifiers: ClinVar variation 3070019 (VCV003070019.2), dbSNP rs2546767349, ClinGen allele CA345402670.